The following is an entry in ClinVar:

NM_001122752.2(SERPINI1):c.923A>C (p.Lys308Thr)

Gene: SERPINI1 (serpin family I member 1; plus strand). Cytogenetic location: 3q26.1.
Variant type: single nucleotide variant.
Coding change: c.923A>C on transcript NM_001122752.2 (MANE Select); coding-DNA position 923, A replaced by C.
Protein change: p.Lys308Thr; replaces lysine 308 with threonine.
Molecular consequence: missense variant.
Genome position (GRCh38, 1-based): chr3:167,807,285, A>C. VCF-style: chr3-167807285-A-C. GRCh37 (hg19) VCF-style: chr3-167525073-A-C.
Other names: c.923A>C, p.Lys308Thr (NM_005025.5); short protein forms K308T.
Identifiers: ClinVar variation 1007229 (VCV001007229.8), dbSNP rs201695047, ClinGen allele CA87837515.
Genomic context (GRCh38, chr3:167,807,285, plus strand): 5'-CTCCCTATGTGTTCTCCAGGTTCACAGTGGAACAGGAAATTGATTTAAAAGATGTTTTGA[A>C]GGCTCTTGGAATAACTGAAATTTTCATCAAAGATGCAAATTTGACAGGCCTCTCTGGTAA-3'
Protein context (NP_001116224.1, residues 298-318): EQEIDLKDVL[Lys308Thr]ALGITEIFIK

ClinVar aggregate classification (germline): Uncertain significance (1 of 4 stars; one submission).

Conditions:
Familial encephalopathy with neuroserpin inclusion bodies. Also called: ENCEPHALOPATHY, FAMILIAL, WITH COLLINS BODIES. Identifiers: Orphanet 85110, MedGen C1858680, MONDO:0011412, OMIM 604218.

Allele frequency attached by ClinVar (database versions not stated): 1000 Genomes Project below 0.00001; gnomAD exomes below 0.00001; TOPMed 0.00001; gnomAD 0.00002.
gnomAD v4.1: 5 of 1,612,886 alleles (0.00031%); highest among the groups gnomAD compares: African/African-American, 0.0067%; no homozygotes.

Submission:

Labcorp Genetics (formerly Invitae), Labcorp
Classification: Uncertain significance for Familial encephalopathy with neuroserpin inclusion bodies. Last evaluated: 2022-06-27. Review status: criteria provided, single submitter. Criteria: Invitae Variant Classification Sherloc (09022015). Collection method: clinical testing. Allele origin: germline.
Comment: In summary, the available evidence is currently insufficient to determine the role of this variant in disease. Therefore, it has been classified as a Variant of Uncertain Significance. Advanced modeling of protein sequence and biophysical properties (such as structural, functional, and spatial information, amino acid conservation, physicochemical variation, residue mobility, and thermodynamic stability) performed at Invitae indicates that this missense variant is not expected to disrupt SERPINI1 protein function. ClinVar contains an entry for this variant (Variation ID: 1007229). This variant has not been reported in the literature in individuals affected with SERPINI1-related conditions. This variant is not present in population databases (gnomAD no frequency). This sequence change replaces lysine, which is basic and polar, with threonine, which is neutral and polar, at codon 308 of the SERPINI1 protein (p.Lys308Thr).